The following is an entry in ClinVar:

NM_000322.5(PRPH2):c.681C>G (p.Ile227Met)

Gene: PRPH2 (peripherin 2; minus strand). Cytogenetic location: 6p21.1.
Variant type: single nucleotide variant.
Coding change: c.681C>G on transcript NM_000322.5 (MANE Select); coding-DNA position 681, C replaced by G.
Protein change: p.Ile227Met; replaces isoleucine 227 with methionine.
Molecular consequence: missense variant.
Genome position (GRCh38, 1-based): chr6:42,704,512, G>C on the plus strand (C>G on the coding strand, the complement: PRPH2 is on the minus strand). VCF-style: chr6-42704512-G-C. GRCh37 (hg19) VCF-style: chr6-42672250-G-C.
Other names: short protein forms I227M.
Identifiers: ClinVar variation 866472 (VCV000866472.5), dbSNP rs1800113865, ClinGen allele CA364135348.

ClinVar aggregate classification (germline): Uncertain significance. Review status: criteria provided, multiple submitters, no conflicts (2 of 4 stars). 2 submissions from 2 submitters: Uncertain significance (2). Last evaluated 2025-09-02.

Conditions:
PRPH2-related disorder. Also called: PRPH2-related disorders; PRPH2-related condition. Identifiers: MedGen CN239395.

Submissions (2):

Labcorp Genetics (formerly Invitae), Labcorp
Classification: Uncertain significance for PRPH2-related disorder. Last evaluated: 2025-09-02. Review status: criteria provided, single submitter. Criteria: Invitae Variant Classification Sherloc (09022015). Collection method: clinical testing. Allele origin: germline.
Comment: This sequence change replaces isoleucine, which is neutral and non-polar, with methionine, which is neutral and non-polar, at codon 227 of the PRPH2 protein (p.Ile227Met). This variant is not present in population databases (gnomAD no frequency). This variant has not been reported in the literature in individuals affected with PRPH2-related conditions. ClinVar contains an entry for this variant (Variation ID: 866472). Invitae Evidence Modeling of protein sequence and biophysical properties (such as structural, functional, and spatial information, amino acid conservation, physicochemical variation, residue mobility, and thermodynamic stability) indicates that this missense variant is not expected to disrupt PRPH2 protein function with a negative predictive value of 95%. In summary, the available evidence is currently insufficient to determine the role of this variant in disease. Therefore, it has been classified as a Variant of Uncertain Significance.

Blueprint Genetics
Classification: Uncertain significance. Last evaluated: 2017-10-30. Review status: criteria provided, single submitter. Criteria: ACMG Guidelines, 2015. Collection method: clinical testing. Allele origin: germline.